The following is an entry in ClinVar:

ClinVar aggregate classification (germline): Uncertain significance (1 of 4 stars; one submission).

Conditions:
RYR1-related disorder. Also called: RYR1-related disorders; RYR1-related condition. Identifiers: MedGen CN239331.

Submission:

Labcorp Genetics (formerly Invitae), Labcorp
Classification: Uncertain significance for RYR1-related disorder. Last evaluated: 2018-03-07. Review status: criteria provided, single submitter. Criteria: Invitae Variant Classification Sherloc (09022015). Collection method: clinical testing. Allele origin: germline.
Comment: While this variant is not present in population databases, the frequency information is unreliable, as metrics indicate poor data quality at this position in the ExAC database. This sequence change replaces glycine with alanine at codon 4349 of the RYR1 protein (p.Gly4349Ala). The glycine residue is weakly conserved and there is a small physicochemical difference between glycine and alanine. This variant has not been reported in the literature in individuals with RYR1-related disease. In summary, the available evidence is currently insufficient to determine the role of this variant in disease. Therefore, it has been classified as a Variant of Uncertain Significance. This missense change is located in a region of the RYR1 protein where a significant number of previously reported RYR1 missense mutations are found (PMID:16917943, 12565913, 23919265). These observations suggest that a previously unreported missense substitution within this region may affect protein function, but experiments have not been done to test this possibility. Algorithms developed to predict the effect of missense changes on protein structure and function (SIFT, PolyPhen-2, Align-GVGD) all suggest that this variant is likely to be tolerated, but these predictions have not been confirmed by published functional studies and their clinical significance is uncertain.

Literature cited by the submitters: PubMed 16917943; PubMed 12565913; PubMed 23919265.

NM_000540.3(RYR1):c.13046G>C (p.Gly4349Ala)

Gene: RYR1 (ryanodine receptor 1; plus strand). Cytogenetic location: 19q13.2.
Variant type: single nucleotide variant.
Coding change: c.13046G>C on transcript NM_000540.3 (MANE Select); coding-DNA position 13046, G replaced by C.
Protein change: p.Gly4349Ala; replaces glycine 4349 with alanine.
Molecular consequence: missense variant.
Genome position (GRCh38, 1-based): chr19:38,565,380, G>C. VCF-style: chr19-38565380-G-C. GRCh37 (hg19) VCF-style: chr19-39056020-G-C.
Other names: c.13031G>C, p.Gly4344Ala (NM_001042723.2); short protein forms G4349A, G4344A.
Identifiers: ClinVar variation 567027 (VCV000567027.8), dbSNP rs1568583133, ClinGen allele CA405673214.